The following is an entry in ClinVar:

NM_001184.4(ATR):c.2054G>C (p.Cys685Ser)

Gene: ATR (ATR serine/threonine kinase; minus strand). Cytogenetic location: 3q23.
Variant type: single nucleotide variant.
Coding change: c.2054G>C on transcript NM_001184.4 (MANE Select); coding-DNA position 2054, G replaced by C.
Protein change: p.Cys685Ser; replaces cysteine 685 with serine.
Molecular consequence: missense variant.
Genome position (GRCh38, 1-based): chr3:142,556,407, C>G on the plus strand (G>C on the coding strand, the complement: ATR is on the minus strand). VCF-style: chr3-142556407-C-G. GRCh37 (hg19) VCF-style: chr3-142275249-C-G.
Other names: c.1862G>C, p.Cys621Ser (NM_001354579.2); short protein forms C621S, C685S.
Identifiers: ClinVar variation 3331155 (VCV003331155.1).

ClinVar aggregate classification (germline): Uncertain significance (1 of 4 stars; one submission).

Conditions:
Inborn genetic diseases. Identifiers: MedGen C0950123, MeSH D030342.

Submission:

Ambry Genetics
Classification: Uncertain significance for Inborn genetic diseases. Last evaluated: 2024-05-04. Review status: criteria provided, single submitter. Criteria: Ambry Variant Classification Scheme 2023. Collection method: clinical testing. Allele origin: germline.
Comment: The p.C685S variant (also known as c.2054G>C), located in coding exon 9 of the ATR gene, results from a G to C substitution at nucleotide position 2054. The cysteine at codon 685 is replaced by serine, an amino acid with dissimilar properties. This amino acid position is conserved. In addition, this alteration is predicted to be tolerated by in silico analysis. Based on the available evidence, the clinical significance of this variant remains unclear.